The following is an entry in ClinVar:

NM_001386140.1(MTTP):c.1814del (p.Tyr605fs)

Gene: MTTP (microsomal triglyceride transfer protein; plus strand). Cytogenetic location: 4q23.
Variant type: Deletion.
Coding change: c.1814del on transcript NM_001386140.1 (MANE Select); coding-DNA position 1814, one base deleted (A; older notation c.1814delA).
Protein change: p.Tyr605fs; shifts the reading frame from tyrosine 605.
Molecular consequence: frameshift variant.
Genome position (GRCh38, 1-based): chr4:99,611,187, A deleted. VCF-style (leftmost placement, unchanged base first): chr4-99611186-TA-T. GRCh37 (hg19) VCF-style: chr4-100532343-TA-T.
Other names: c.1814del, p.Tyr605fs (NM_000253.4); c.1565del, p.Tyr522fs (NM_001300785.2); c.1814delA (NM_000253.3); short protein forms Y605fs, Y522fs.
Identifiers: ClinVar variation 855242 (VCV000855242.7), dbSNP rs1725943334, ClinGen allele CA916082654.

ClinVar aggregate classification (germline): Pathogenic/Likely pathogenic. Review status: criteria provided, multiple submitters, no conflicts (2 of 4 stars). 2 submissions from 2 submitters: Pathogenic (1); Likely pathogenic (1). Last evaluated 2026-01-06.

Conditions:
Abetalipoproteinaemia (ABL). Also called: Abetalipoproteinemia; Abetalipoproteinemia neuropathy; Apolipoprotein B deficiency; Congenital betalipoprotein deficiency syndrome; MTP DEFICIENCY. Identifiers: Orphanet 14, MedGen C0000744, MONDO:0008692, OMIM 200100, HP:0008181.

Allele frequency attached by ClinVar (database versions not stated): gnomAD exomes below 0.00001.

Submissions (2):

Labcorp Genetics (formerly Invitae), Labcorp
Classification: Pathogenic. Last evaluated: 2026-01-06. Review status: criteria provided, single submitter. Criteria: Invitae Variant Classification Sherloc (09022015). Collection method: clinical testing. Allele origin: germline.
Comment: This sequence change creates a premature translational stop signal (p.Tyr605Leufs*17) in the MTTP gene. It is expected to result in an absent or disrupted protein product. Loss-of-function variants in MTTP are known to be pathogenic (PMID: 8533758, 9671739). This variant is not present in population databases (gnomAD no frequency). This variant has not been reported in the literature in individuals affected with MTTP-related conditions. ClinVar contains an entry for this variant (Variation ID: 855242). For these reasons, this variant has been classified as Pathogenic.

Natera, Inc.
Classification: Likely pathogenic for Abetalipoproteinemia. Last evaluated: 2025-02-10. Review status: criteria provided, single submitter. Criteria: Natera Variant Classification Schema (03/2026). Collection method: clinical testing. Allele origin: germline.
Comment: The c.1814delA variant in MTTP is a frameshift variant predicted to shift the reading frame beginning at codon 605 and leads to a stop codon 17 codons downstream. This variant is expected to result in nonsense mediated decay, truncation, or a dysfunctional protein product. This variant is rare in the general population with a frequency below the threshold expected for the associated phenotype(s). Given the available evidence, this variant is classified as Likely Pathogenic.

Literature cited by the submitters: PubMed 8533758 (cited by Labcorp Genetics (formerly Invitae), Labcorp); PubMed 9671739 (cited by Labcorp Genetics (formerly Invitae), Labcorp).